The following is an entry in ClinVar:

NM_001048174.2(MUTYH):c.559G>C (p.Val187Leu)

Gene: MUTYH (mutY DNA glycosylase; minus strand). Cytogenetic location: 1p34.1.
Variant type: single nucleotide variant.
Coding change: c.559G>C on transcript NM_001048174.2 (MANE Select); coding-DNA position 559, G replaced by C.
Protein change: p.Val187Leu; replaces valine 187 with leucine.
Molecular consequence: missense variant. On other transcripts: non-coding transcript variant (2).
Genome position (GRCh38, 1-based): chr1:45,332,621, C>G on the plus strand (G>C on the coding strand, the complement: MUTYH is on the minus strand). VCF-style: chr1-45332621-C-G. GRCh37 (hg19) VCF-style: chr1-45798293-C-G.
Other names: c.559G>C, p.Val187Leu (NM_001048171.2, NM_001048173.2, NM_001293195.2); c.562G>C, p.Val188Leu (NM_001048172.2); c.643G>C, p.Val215Leu (NM_001128425.2); c.604G>C, p.Val202Leu (NM_001293190.2); c.592G>C, p.Val198Leu (NM_001293191.2); c.283G>C, p.Val95Leu (NM_001293192.2, NM_001293196.2); c.214G>C, p.Val72Leu (NM_001350650.2, NM_001350651.2); c.634G>C, p.Val212Leu (NM_012222.3); short protein forms V202L, V212L, V198L, V72L, V187L, V188L, V215L, V95L.
Identifiers: ClinVar variation 1388945 (VCV001388945.8), dbSNP rs776487884, ClinGen allele CA340135343.

ClinVar aggregate classification (germline): Uncertain significance (1 of 4 stars; one submission).

Conditions:
Familial adenomatous polyposis 2. Also called: Adenomas, multiple colorectal; MYH-associated polyposis; COLORECTAL ADENOMATOUS POLYPOSIS, AUTOSOMAL RECESSIVE; ADENOMAS, MULTIPLE COLORECTAL, AUTOSOMAL RECESSIVE; FAP type 2; MUTYH Polyposis. Identifiers: Orphanet 220460, Orphanet 247798, MedGen C3272841, MONDO:0012041, OMIM 608456.

Submission:

Labcorp Genetics (formerly Invitae), Labcorp
Classification: Uncertain significance for Familial adenomatous polyposis 2. Last evaluated: 2025-07-23. Review status: criteria provided, single submitter. Criteria: Invitae Variant Classification Sherloc (09022015). Collection method: clinical testing. Allele origin: germline.
Comment: This sequence change replaces valine, which is neutral and non-polar, with leucine, which is neutral and non-polar, at codon 215 of the MUTYH protein (p.Val215Leu). This variant is not present in population databases (gnomAD no frequency). This variant has not been reported in the literature in individuals affected with MUTYH-related conditions. ClinVar contains an entry for this variant (Variation ID: 1388945). An algorithm developed to predict the effect of missense changes on protein structure and function (PolyPhen-2) suggests that this variant is likely to be disruptive. This variant disrupts the p.Val215 amino acid residue in MUTYH. Other variant(s) that disrupt this residue have been determined to be pathogenic (PMID: 19032956, 19732775, 20618354; externalcommunication, internal data). This suggests that this residue is clinically significant, and that variants that disrupt this residue are likely to be disease-causing. In summary, the available evidence is currently insufficient to determine the role of this variant in disease. Therefore, it has been classified as a Variant of Uncertain Significance.

Literature cited by the submitters: PubMed 19032956; PubMed 19732775; PubMed 20618354.